The following is an entry in ClinVar:

NM_001379500.1(COL18A1):c.107-12353G>A

Gene: COL18A1 (collagen type XVIII alpha 1 chain; plus strand). Cytogenetic location: 21q22.3.
Variant type: single nucleotide variant.
Coding change: c.107-12353G>A on transcript NM_001379500.1 (MANE Select); 12353 bases into the intron before coding-DNA position 107, G replaced by A.
Molecular consequence: intron variant. On other transcripts: missense variant (2).
Genome position (GRCh38, 1-based): chr21:45,455,889, G>A. VCF-style: chr21-45455889-G-A. GRCh37 (hg19) VCF-style: chr21-46875803-G-A.
Other names: c.359G>A, p.Gly120Asp (NM_030582.4, NM_130444.3); short protein forms G120D.
Identifiers: ClinVar variation 1897581 (VCV001897581.3), dbSNP rs770965772, ClinGen allele CA10065453.

ClinVar aggregate classification (germline): Uncertain significance. Review status: criteria provided, multiple submitters, no conflicts (2 of 4 stars). 2 submissions from 2 submitters: Uncertain significance (2). Last evaluated 2022-09-12.

Allele frequency attached by ClinVar (database versions not stated): ExAC 0.00001; gnomAD 0.00001; gnomAD exomes 0.00001.
gnomAD v4.1: 15 of 1,612,966 alleles (0.00093%); highest among the groups gnomAD compares: Non-Finnish European, 0.0012%; no homozygotes.

Submissions (2):

Labcorp Genetics (formerly Invitae), Labcorp
Classification: Uncertain significance. Last evaluated: 2022-09-12. Review status: criteria provided, single submitter. Criteria: Invitae Variant Classification Sherloc (09022015). Collection method: clinical testing. Allele origin: germline.
Comment: The COL18A1 gene has multiple clinically relevant transcripts. This variant occurs in alternate transcript NM_030582.4, and corresponds to NM_130445.3:c.107-12353G>A in the primary transcript. This sequence change replaces glycine, which is neutral and non-polar, with aspartic acid, which is acidic and polar, at codon 120 of the COL18A1 protein (p.Gly120Asp). This variant is present in population databases (rs770965772, gnomAD 0.002%). This variant has not been reported in the literature in individuals affected with COL18A1-related conditions. Experimental studies and prediction algorithms are not available or were not evaluated, and the functional significance of this variant is currently unknown. In summary, the available evidence is currently insufficient to determine the role of this variant in disease. Therefore, it has been classified as a Variant of Uncertain Significance.

Blueprint Genetics
Classification: Uncertain significance. Last evaluated: 2018-12-21. Review status: criteria provided, single submitter. Criteria: ACMG Guidelines, 2015. Collection method: clinical testing. Allele origin: germline.